The following is an entry in ClinVar:

ClinVar aggregate classification (germline): Uncertain significance. Review status: criteria provided, multiple submitters, no conflicts (2 of 4 stars). 2 submissions from 2 submitters: Uncertain significance (2). Last evaluated 2023-10-13.

Conditions:
Dyskeratosis congenita, autosomal recessive 5 (DKCB5). Identifiers: MedGen C3554656, MONDO:0014076, OMIM 615190.
Pulmonary fibrosis and/or bone marrow failure, Telomere-related, 3. Also called: PULMONARY FIBROSIS AND/OR BONE MARROW FAILURE SYNDROME, TELOMERE-RELATED, 3. Identifiers: Orphanet 2032, MedGen C4225346, MONDO:0014613, OMIM 616373.
Inborn genetic diseases. Identifiers: MedGen C0950123, MeSH D030342.

Submissions (2):

Ambry Genetics
Classification: Uncertain significance for Inborn genetic diseases. Last evaluated: 2023-10-13. Review status: criteria provided, single submitter. Criteria: Ambry Variant Classification Scheme 2023. Collection method: clinical testing. Allele origin: germline.

Labcorp Genetics (formerly Invitae), Labcorp
Classification: Uncertain significance for Dyskeratosis congenita, autosomal recessive 5; Pulmonary fibrosis and/or bone marrow failure, Telomere-related, 3. Last evaluated: 2022-04-28. Review status: criteria provided, single submitter. Criteria: Invitae Variant Classification Sherloc (09022015). Collection method: clinical testing. Allele origin: germline.
Comment: In summary, the available evidence is currently insufficient to determine the role of this variant in disease. Therefore, it has been classified as a Variant of Uncertain Significance. Algorithms developed to predict the effect of missense changes on protein structure and function output the following: SIFT: "Deleterious"; PolyPhen-2: "Benign"; Align-GVGD: "Class C0". The asparagine amino acid residue is found in multiple mammalian species, which suggests that this missense change does not adversely affect protein function. This variant has not been reported in the literature in individuals affected with RTEL1-related conditions. This variant is not present in population databases (gnomAD no frequency). This sequence change replaces serine, which is neutral and polar, with asparagine, which is neutral and polar, at codon 983 of the RTEL1 protein (p.Ser983Asn).

NM_001283009.2(RTEL1):c.2948G>A (p.Ser983Asn)

Genes: RTEL1 (regulator of telomere elongation helicase 1; plus strand), RTEL1-TNFRSF6B (RTEL1-TNFRSF6B readthrough (NMD candidate); plus strand). Cytogenetic location: 20q13.33.
Variant type: single nucleotide variant.
Coding change: c.2948G>A on transcript NM_001283009.2 (MANE Select); coding-DNA position 2948, G replaced by A.
Protein change: p.Ser983Asn; replaces serine 983 with asparagine.
Molecular consequence: missense variant. On other transcripts: non-coding transcript variant (1).
Genome position (GRCh38, 1-based): chr20:63,693,239, G>A. VCF-style: chr20-63693239-G-A. GRCh37 (hg19) VCF-style: chr20-62324592-G-A.
Other names: c.2279G>A, p.Ser760Asn (NM_001283010.1); c.2948G>A, p.Ser983Asn (NM_016434.4); c.3020G>A, p.Ser1007Asn (NM_032957.5); c.3020G>A (NM_032957.4); short protein forms S760N, S1007N, S983N.
Identifiers: ClinVar variation 2131405 (VCV002131405.5), dbSNP rs369960089, ClinGen allele CA409683360.